The following is an entry in ClinVar:

NM_025132.4(WDR19):c.2220C>T (p.Tyr740=)

Gene: WDR19 (WD repeat domain 19; plus strand). Cytogenetic location: 4p14.
Variant type: single nucleotide variant.
Coding change: c.2220C>T on transcript NM_025132.4 (MANE Select); coding-DNA position 2220, C replaced by T.
Protein change: p.Tyr740=; no amino-acid change (tyrosine 740 retained).
Molecular consequence: synonymous variant.
Genome position (GRCh38, 1-based): chr4:39,232,239, C>T. VCF-style: chr4-39232239-C-T. GRCh37 (hg19) VCF-style: chr4-39233859-C-T.
Other names: c.1740C>T, p.Tyr580= (NM_001317924.2); c.2220C>T (NM_025132.3).
Identifiers: ClinVar variation 1639690 (VCV001639690.10), dbSNP rs762882447, ClinGen allele CA2892029.

ClinVar aggregate classification (germline): Likely benign. Review status: criteria provided, single submitter (1 of 4 stars). 2 submissions from 2 submitters: Likely benign (1). 1 of the submissions does not count toward it. Last evaluated 2025-10-21.

Conditions:
Senior-Loken syndrome 8 (SLSN8). Identifiers: Orphanet 3156, MedGen C4225376, MONDO:0014579, OMIM 616307.
Asphyxiating thoracic dystrophy 5 (SRTD5). Also called: SHORT-RIB THORACIC DYSPLASIA 5 WITH OR WITHOUT POLYDACTYLY; SHORT-RIB THORACIC DYSPLASIA 5 WITHOUT POLYDACTYLY. Identifiers: Orphanet 474, MedGen C3280598, MONDO:0013717, OMIM 614376.
WDR19-related disorder. Also called: WDR19-related condition; WDR19-related disorders. Identifiers: MedGen CN380161.

Allele frequency attached by ClinVar (database versions not stated): gnomAD 0.00001; gnomAD exomes 0.00001; ExAC 0.00002; TOPMed 0.00002.
gnomAD v4.1: 9 of 1,611,800 alleles (0.00056%); highest among the groups gnomAD compares: East Asian, 0.013%; no homozygotes.

Submissions (2):

Labcorp Genetics (formerly Invitae), Labcorp
Classification: Likely benign for Senior-Loken syndrome 8; Asphyxiating thoracic dystrophy 5. Last evaluated: 2025-10-21. Review status: criteria provided, single submitter. Criteria: Invitae Variant Classification Sherloc (09022015). Collection method: clinical testing. Allele origin: germline.

PreventionGenetics, part of Exact Sciences
Classification: Likely benign for WDR19-related condition. Last evaluated: 2020-01-27. Review status: no assertion criteria provided. Collection method: clinical testing. Allele origin: germline. Not counted in ClinVar's aggregate classification.
Comment: This variant is classified as likely benign based on ACMG/AMP sequence variant interpretation guidelines (Richards et al. 2015 PMID: 25741868, with internal and published modifications).